The following is an entry in ClinVar:

NM_017460.6(CYP3A4):c.1245C>G (p.Leu415=)

Gene: CYP3A4 (cytochrome P450 family 3 subfamily A member 4; minus strand). Cytogenetic location: 7q22.1.
Variant type: single nucleotide variant.
Coding change: c.1245C>G on transcript NM_017460.6 (MANE Select); coding-DNA position 1245, C replaced by G.
Protein change: p.Leu415=; no amino-acid change (leucine 415 retained).
Molecular consequence: synonymous variant.
Genome position (GRCh38, 1-based): chr7:99,762,049, G>C on the plus strand (C>G on the coding strand, the complement: CYP3A4 is on the minus strand). VCF-style: chr7-99762049-G-C. GRCh37 (hg19) VCF-style: chr7-99359672-G-C.
Other names: c.1242C>G, p.Leu414= (NM_001202855.3).
Identifiers: ClinVar variation 3770819 (VCV003770819.13).

ClinVar aggregate classification (germline): Likely benign (1 of 4 stars; one submission).

gnomAD v4.1: 100 of 1,613,970 alleles (0.0062%); highest among the groups gnomAD compares: Non-Finnish European, 0.0081%; no homozygotes.

Submission:

CeGaT Center for Human Genetics Tuebingen
Classification: Likely benign. Last evaluated: 2025-02-01. Review status: criteria provided, single submitter. Criteria: CeGaT Center For Human Genetics Tuebingen Variant Classification Criteria Version 2. Collection method: clinical testing. Allele origin: germline. Affected: yes. Observed: 1 variant allele.
Comment: CYP3A4: BP4, BP7